The following is an entry in ClinVar:

ClinVar aggregate classification (germline): Uncertain significance (1 of 4 stars; one submission).

Conditions:
Microphthalmia with brain and digit anomalies (MCOPS6). Also called: Microphthalmia, syndromic 6; MICROPHTHALMIA AND PITUITARY ANOMALIES. Identifiers: Orphanet 139471, MedGen C1864689, MONDO:0011936, OMIM 607932.
Orofacial cleft 11 (OFC11). Also called: CLEFT LIP WITH OR WITHOUT CLEFT PALATE, NONSYNDROMIC, 11; Orofacial cleft 11; ofc11. Identifiers: MedGen C2677434, MONDO:0010906, OMIM 600625.

gnomAD v4.1: 3 of 1,612,588 alleles (0.00019%); highest among the groups gnomAD compares: East Asian, 0.0067%; no homozygotes.

Submission:

Labcorp Genetics (formerly Invitae), Labcorp
Classification: Uncertain significance for Microphthalmia with brain and digit anomalies; Orofacial cleft 11. Last evaluated: 2024-02-24. Review status: criteria provided, single submitter. Criteria: Invitae Variant Classification Sherloc (09022015). Collection method: clinical testing. Allele origin: germline.
Comment: This sequence change replaces arginine, which is basic and polar, with tryptophan, which is neutral and slightly polar, at codon 84 of the BMP4 protein (p.Arg84Trp). This variant is not present in population databases (gnomAD no frequency). This variant has not been reported in the literature in individuals affected with BMP4-related conditions. ClinVar contains an entry for this variant (Variation ID: 2137587). Advanced modeling of protein sequence and biophysical properties (such as structural, functional, and spatial information, amino acid conservation, physicochemical variation, residue mobility, and thermodynamic stability) performed at Invitae indicates that this missense variant is not expected to disrupt BMP4 protein function with a negative predictive value of 80%. In summary, the available evidence is currently insufficient to determine the role of this variant in disease. Therefore, it has been classified as a Variant of Uncertain Significance.

NM_001202.6(BMP4):c.250C>T (p.Arg84Trp)

Gene: BMP4 (bone morphogenetic protein 4; minus strand). Cytogenetic location: 14q22.2.
Variant type: single nucleotide variant.
Coding change: c.250C>T on transcript NM_001202.6 (MANE Select); coding-DNA position 250, C replaced by T.
Protein change: p.Arg84Trp; replaces arginine 84 with tryptophan.
Molecular consequence: missense variant.
Genome position (GRCh38, 1-based): chr14:53,951,973, G>A on the plus strand (C>T on the coding strand, the complement: BMP4 is on the minus strand). VCF-style: chr14-53951973-G-A. GRCh37 (hg19) VCF-style: chr14-54418691-G-A.
Other names: c.391C>T, p.Arg131Trp (NM_001347912.1); c.61C>T, p.Arg21Trp (NM_001347913.2, NM_001347915.2, NM_001347917.1); c.250C>T, p.Arg84Trp (NM_001347914.2, NM_001347916.1, NM_130850.5 and 1 more transcripts); short protein forms R131W, R84W, R21W.
Identifiers: ClinVar variation 2137587 (VCV002137587.4), dbSNP rs1895447235, ClinGen allele CA389785255.
Genomic context (GRCh38, chr14:53,951,973, plus strand): 5'-GACCAGTGCTGTGGATCTGCTCTTCCTCCTCCTCCCCAGACTGAAGCCGGTAAAGATCCC[G>A]CATGTAGTCCGGAATGACGGCACTCTTGCTAGGCTGCGGGCGGCGGCGCAGCCCAAACAT-3'
Protein context (NP_001193.2, residues 74-94): SKSAVIPDYM[Arg84Trp]DLYRLQSGEE